The following is an entry in ClinVar:

NM_006231.4(POLE):c.1106+12T>C

Gene: POLE (DNA polymerase epsilon, catalytic subunit; minus strand). Cytogenetic location: 12q24.33.
Variant type: single nucleotide variant.
Coding change: c.1106+12T>C on transcript NM_006231.4 (MANE Select); 12 bases into the intron after coding-DNA position 1106, T replaced by C.
Molecular consequence: intron variant.
Genome position (GRCh38, 1-based): chr12:132,675,723, A>G on the plus strand (T>C on the coding strand, the complement: POLE is on the minus strand). VCF-style: chr12-132675723-A-G. GRCh37 (hg19) VCF-style: chr12-133252309-A-G.
Other names: c.1106+12T>C (NM_006231.3).
Identifiers: ClinVar variation 392096 (VCV000392096.10), dbSNP rs781673811, ClinGen allele CA16606547.
Genomic context (GRCh38, chr12:132,675,723, plus strand): 5'-GCGCCCCTGCACCACGCAACGCCCTCCCTCTCAAATGCTGCCCAGTTACTCATAGAGAAG[A>G]CACAGACTCACCAGTCAAAAAAGTCCCCGTTGTAGGTGACCATGATGGTGGGTTTGGTCT-3'

ClinVar aggregate classification (germline): Likely benign. Review status: criteria provided, multiple submitters, no conflicts (2 of 4 stars). 3 submissions from 3 submitters: Likely benign (2). 1 of the submissions does not count toward it. Last evaluated 2025-11-11.

Conditions:
POLE-related disorder. Also called: POLE-related condition; POLE-related disorders.

Allele frequency attached by ClinVar (database versions not stated): TOPMed 0.00004.
gnomAD v4.1: 8 of 1,610,978 alleles (0.0005%); highest among the groups gnomAD compares: African/African-American, 0.0053%; no homozygotes.

Submissions (3):

Labcorp Genetics (formerly Invitae), Labcorp
Classification: Likely benign. Last evaluated: 2025-11-11. Review status: criteria provided, single submitter. Criteria: Invitae Variant Classification Sherloc (09022015). Collection method: clinical testing. Allele origin: germline.

GeneDx
Classification: Likely benign. Last evaluated: 2016-12-17. Review status: criteria provided, single submitter. Criteria: GeneDx Variant Classification (06012015). Collection method: clinical testing. Allele origin: germline. Affected: yes.
Comment: This variant is considered likely benign or benign based on one or more of the following criteria: it is a conservative change, it occurs at a poorly conserved position in the protein, it is predicted to be benign by multiple in silico algorithms, and/or has population frequency not consistent with disease.

PreventionGenetics, part of Exact Sciences
Classification: Likely benign for POLE-related condition. Last evaluated: 2020-10-06. Review status: no assertion criteria provided. Collection method: clinical testing. Allele origin: germline. Not counted in ClinVar's aggregate classification.
Comment: This variant is classified as likely benign based on ACMG/AMP sequence variant interpretation guidelines (Richards et al. 2015 PMID: 25741868, with internal and published modifications).